The following is an entry in ClinVar:

NM_007194.4(CHEK2):c.1542+7G>A

Gene: CHEK2 (checkpoint kinase 2; minus strand). Cytogenetic location: 22q12.1.
Variant type: single nucleotide variant.
Coding change: c.1542+7G>A on transcript NM_007194.4 (MANE Select); 7 bases into the intron after coding-DNA position 1542, G replaced by A.
Molecular consequence: intron variant.
Genome position (GRCh38, 1-based): chr22:28,689,128, C>T on the plus strand (G>A on the coding strand, the complement: CHEK2 is on the minus strand). VCF-style: chr22-28689128-C-T. GRCh37 (hg19) VCF-style: chr22-29085116-C-T.
Other names: c.879+7G>A (NM_001437942.1, NM_001257387.3); c.1341+7G>A (NM_001349956.3); c.1455+7G>A (NM_145862.3); c.1548+7G>A (NM_001438295.1); c.1635+7G>A (NM_001438293.1); c.1584+7G>A (NM_001438294.1); c.1671+7G>A (NM_001005735.3).
Identifiers: ClinVar variation 491605 (VCV000491605.17), dbSNP rs4035547, ClinGen allele CA323000012.
Genomic context (GRCh38, chr22:28,689,128, plus strand): 5'-TCATCATCTTTGCTTATCAGCTCCTTAAGCCCAGACTACATTTAGTGATCATCAGGAATA[C>T]GAATACCTGGGCTAGAACCTGGGGTAGAGCTGTGGATTCATTTTCCTCAGACAGAAGATC-3'

ClinVar aggregate classification (germline): Likely benign. Review status: criteria provided, multiple submitters, no conflicts (2 of 4 stars). 4 submissions from 4 submitters: Likely benign (4). Last evaluated 2025-09-27.

Conditions:
Familial cancer of breast. Also called: Hereditary breast cancer; hereditary breast carcinoma; BREAST CANCER, FAMILIAL. Identifiers: Orphanet 227535, MedGen C0346153, MONDO:0016419, OMIM 114480. Disease mechanism: loss of function.
Hereditary cancer-predisposing syndrome. Also called: Hereditary neoplastic syndrome; Tumor predisposition; Hereditary Cancer Syndrome; Neoplastic Syndromes, Hereditary. Identifiers: Orphanet 140162, MedGen C0027672, MeSH D009386, MONDO:0015356.

Allele frequency attached by ClinVar (database versions not stated): gnomAD exomes 0.00001.
gnomAD v4.1: 8 of 1,582,250 alleles (0.00051%); highest among the groups gnomAD compares: East Asian, 0.016%; no homozygotes.

Submissions (4):

Labcorp Genetics (formerly Invitae), Labcorp
Classification: Likely benign for Familial cancer of breast. Last evaluated: 2025-09-27. Review status: criteria provided, single submitter. Criteria: Invitae Variant Classification Sherloc (09022015). Collection method: clinical testing. Allele origin: germline.

Women's Health and Genetics/Laboratory Corporation of America, LabCorp
Classification: Likely benign. Last evaluated: 2025-04-23. Review status: criteria provided, single submitter. Criteria: LabCorp Variant Classification Summary - May 2015. Collection method: clinical testing. Allele origin: germline.
Comment: Variant summary: CHEK2 c.1542+7G>A alters a nucleotide located at a position not widely known to affect splicing. Consensus agreement among computation tools predict no significant impact on normal splicing. However, these predictions have yet to be confirmed by functional studies. The variant was absent in 233372 control chromosomes. The available data on variant occurrences in the general population are insufficient to allow any conclusion about variant significance. c.1542+7G>A (also known as c.1455+7G>A) has been observed in individuals affected with breast cancer without evidence for causality (example: Mucaki_2016). These report(s) do not provide unequivocal conclusions about association of the variant with Hereditary Breast And Ovarian Cancer Syndrome. To our knowledge, no experimental evidence demonstrating an impact on protein function has been reported. The following publication has been ascertained in the context of this evaluation (PMID: 27067391). ClinVar contains an entry for this variant (Variation ID: 491605). Based on the evidence outlined above, the variant was classified as likely benign.

Myriad Genetics, Inc.
Classification: Likely benign for Familial cancer of breast. Last evaluated: 2024-10-08. Review status: criteria provided, single submitter. Criteria: Myriad Autosomal Dominant, Autosomal Recessive and X-Linked Classification Criteria (2023). Collection method: clinical testing. Allele origin: unknown.
Comment: This variant is considered likely benign. This variant is intronic and is not expected to impact mRNA splicing.

Color Diagnostics, LLC DBA Color Health
Classification: Likely benign for Hereditary cancer-predisposing syndrome. Last evaluated: 2016-06-14. Review status: criteria provided, single submitter. Criteria: ACMG Guidelines, 2015. Collection method: clinical testing. Allele origin: germline.

Literature cited by the submitters: PubMed 27067391 (cited by Women's Health and Genetics/Laboratory Corporation of America, LabCorp).